The following is an entry in ClinVar:

NM_001042492.3(NF1):c.1477_1525dup (p.Cys509fs)

Gene: NF1 (neurofibromin 1; plus strand). Cytogenetic location: 17q11.2.
Variant type: Duplication.
Coding change: c.1477_1525dup on transcript NM_001042492.3 (MANE Select); coding-DNA positions 1477 to 1525, 49 bases duplicated.
Protein change: p.Cys509fs; shifts the reading frame from cysteine 509.
Molecular consequence: frameshift variant.
Genome position (GRCh38, 1-based): chr17:31,214,535-31,214,583, 49 bases duplicated; duplicating any 49 consecutive bases within chr17:31,214,533-31,214,583 gives the same sequence; the c. name uses the placement nearest the transcript's 3' end. GRCh37 (hg19): chr17:29,541,553-29,541,601.
Other names: c.1477_1525dup, p.Cys509Serfs (NM_000267.4); c.1477_1525dup, p.Cys509fs (NM_001128147.3); short protein forms C509fs.
Identifiers: ClinVar variation 1075205 (VCV001075205.5), dbSNP rs2143959812, ClinGen allele CA2499223995.

ClinVar aggregate classification (germline): Pathogenic (1 of 4 stars; one submission).

Conditions:
Neurofibromatosis, type 1 (NF1). Also called: VON RECKLINGHAUSEN DISEASE; Peripheral type neurofibromatosis; NEUROFIBROMATOSIS, TYPE I, SOMATIC; Neurofibromatosis, type I. Identifiers: Orphanet 636, MedGen C0027831, MONDO:0018975, OMIM 162200. Disease mechanism: loss of function.

Submission:

Labcorp Genetics (formerly Invitae), Labcorp
Classification: Pathogenic for Neurofibromatosis, type 1. Last evaluated: 2020-10-08. Review status: criteria provided, single submitter. Criteria: Invitae Variant Classification Sherloc (09022015). Collection method: clinical testing. Allele origin: germline.
Comment: This sequence change creates a premature translational stop signal (p.Cys509Serfs*18) in the NF1 gene. It is expected to result in an absent or disrupted protein product. This variant is not present in population databases (ExAC no frequency). This variant has not been reported in the literature in individuals with NF1-related conditions. Algorithms developed to predict the effect of sequence changes on RNA splicing suggest that this variant may create or strengthen a splice site, but this prediction has not been confirmed by published transcriptional studies. Loss-of-function variants in NF1 are known to be pathogenic (PMID: 10712197, 23913538). For these reasons, this variant has been classified as Pathogenic.

Literature cited by the submitters: PubMed 10712197; PubMed 23913538.